The following is an entry in ClinVar:

NM_000089.4(COL1A2):c.199C>T (p.Pro67Ser)

Gene: COL1A2 (collagen type I alpha 2 chain; plus strand). Cytogenetic location: 7q21.3.
Variant type: single nucleotide variant.
Coding change: c.199C>T on transcript NM_000089.4 (MANE Select); coding-DNA position 199, C replaced by T.
Protein change: p.Pro67Ser; replaces proline 67 with serine.
Molecular consequence: missense variant.
Genome position (GRCh38, 1-based): chr7:94,400,262, C>T. VCF-style: chr7-94400262-C-T. GRCh37 (hg19) VCF-style: chr7-94029574-C-T.
Other names: short protein forms P67S.
Identifiers: ClinVar variation 2937463 (VCV002937463.3), dbSNP rs2484693719, ClinGen allele CA368219231.

ClinVar aggregate classification (germline): Uncertain significance (1 of 4 stars; one submission).

Conditions:
Osteogenesis imperfecta type I (OI1). Also called: Lobstein disease; OI, TYPE I; OSTEOGENESIS IMPERFECTA TARDA; OSTEOGENESIS IMPERFECTA WITH BLUE SCLERAE; Osteogenesis imperfecta type 1; Lobstein's Disease. Identifiers: Orphanet 216796, Orphanet 666, MedGen C0023931, MONDO:0008146, OMIM 166200. Disease mechanism: loss of function.
Ehlers-Danlos syndrome, classic type, 1 (EDSCL1). Also called: EDS I; EHLERS-DANLOS SYNDROME, GRAVIS TYPE; EHLERS-DANLOS SYNDROME, SEVERE CLASSIC TYPE; Ehlers-Danlos syndrome, type 1; Ehlers-Danlos Syndrome, Classic Type, COL5A1-Related. Identifiers: MedGen C0268335, MONDO:0019567, OMIM 130000.

Submission:

Labcorp Genetics (formerly Invitae), Labcorp
Classification: Uncertain significance for Osteogenesis imperfecta type I; Ehlers-Danlos syndrome, classic type, 1. Last evaluated: 2023-11-08. Review status: criteria provided, single submitter. Criteria: Invitae Variant Classification Sherloc (09022015). Collection method: clinical testing. Allele origin: germline.
Comment: This sequence change replaces proline, which is neutral and non-polar, with serine, which is neutral and polar, at codon 67 of the COL1A2 protein (p.Pro67Ser). This variant is not present in population databases (gnomAD no frequency). This variant has not been reported in the literature in individuals affected with COL1A2-related conditions. Advanced modeling of protein sequence and biophysical properties (such as structural, functional, and spatial information, amino acid conservation, physicochemical variation, residue mobility, and thermodynamic stability) performed at Invitae indicates that this missense variant is not expected to disrupt COL1A2 protein function with a negative predictive value of 80%. In summary, the available evidence is currently insufficient to determine the role of this variant in disease. Therefore, it has been classified as a Variant of Uncertain Significance.